The following is an entry in ClinVar:

NM_000441.2(SLC26A4):c.745_749dup (p.Leu251fs)

Gene: SLC26A4 (solute carrier family 26 member 4; plus strand). Cytogenetic location: 7q22.3.
Variant type: Duplication.
Coding change: c.745_749dup on transcript NM_000441.2 (MANE Select); coding-DNA positions 745 to 749, 5 bases duplicated (GGAGT; older notation c.745_749dupGGAGT).
Protein change: p.Leu251fs; shifts the reading frame from leucine 251.
Molecular consequence: frameshift variant.
Genome position (GRCh38, 1-based): chr7:107,675,089-107,675,093, GGAGT duplicated; duplicating any 5 consecutive bases within chr7:107,675,088-107,675,093 gives the same sequence; the c. name uses the placement nearest the transcript's 3' end. VCF-style (leftmost placement, unchanged base first): chr7-107675087-A-ATGGAG. GRCh37 (hg19) VCF-style: chr7-107315532-A-ATGGAG.
Other names: short protein forms L251fs.
Identifiers: ClinVar variation 1427676 (VCV001427676.7), dbSNP rs750365180, ClinGen allele CA4432555.

ClinVar aggregate classification (germline): Pathogenic/Likely pathogenic. Review status: criteria provided, multiple submitters, no conflicts (2 of 4 stars). 2 submissions from 2 submitters: Pathogenic (1); Likely pathogenic (1). Last evaluated 2023-07-17.

Conditions:
Autosomal recessive nonsyndromic hearing loss 4 (DFNB4). Also called: Nonsyndromic enlarged vestibular aqueduct (NSEVA); FOXI1-Related Pendred Syndrome; KCNJ10-Related Pendred Syndrome; NEUROSENSORY NONSYNDROMIC RECESSIVE DEAFNESS 4; Deafness, autosomal recessive 4, with enlarged vestibular aqueduct; Deafness, autosomal recessive 4. Identifiers: Orphanet 90636, MedGen C3538946, MONDO:0010933, OMIM 600791.

Submissions (2):

Baylor Genetics
Classification: Likely pathogenic for Autosomal recessive nonsyndromic hearing loss 4. Last evaluated: 2023-07-17. Review status: criteria provided, single submitter. Criteria: ACMG Guidelines, 2015. Collection method: clinical testing. Allele origin: unknown.

Labcorp Genetics (formerly Invitae), Labcorp
Classification: Pathogenic. Last evaluated: 2021-04-23. Review status: criteria provided, single submitter. Criteria: Invitae Variant Classification Sherloc (09022015). Collection method: clinical testing. Allele origin: germline.
Comment: This variant is present in population databases (rs750365180, ExAC 0.001%). For these reasons, this variant has been classified as Pathogenic. This variant has not been reported in the literature in individuals with SLC26A4-related conditions. This sequence change creates a premature translational stop signal (p.Leu251Glufs*40) in the SLC26A4 gene. It is expected to result in an absent or disrupted protein product. Loss-of-function variants in SLC26A4 are known to be pathogenic (PMID: 16283880, 25394566, 26252218, 26445815).

Literature cited by the submitters: PubMed 16283880 (cited by Labcorp Genetics (formerly Invitae), Labcorp); PubMed 25394566 (cited by Labcorp Genetics (formerly Invitae), Labcorp); PubMed 26252218 (cited by Labcorp Genetics (formerly Invitae), Labcorp); PubMed 26445815 (cited by Labcorp Genetics (formerly Invitae), Labcorp).